The following is an entry in ClinVar:

ClinVar aggregate classification (germline): Uncertain significance. Review status: criteria provided, multiple submitters, no conflicts (2 of 4 stars). 2 submissions from 2 submitters: Uncertain significance (2). Last evaluated 2024-03-06.

Conditions:
Familial hypercholesterolemia. Also called: Familial hypercholesterolemias; Familial hypercholesterolaemia. Identifiers: MedGen C0020445, MONDO:0005439.
Hypercholesterolemia, autosomal dominant, 3 (FHCL3). Also called: Familial hypercholesterolemia 3; Familial Hypercholesterolemia, Autosomal Dominant, 3; PCSK9-Related Familial Hypercholesterolemia, Autosomal Dominant. Identifiers: MedGen C1863551, MONDO:0011369, OMIM 603776.

Allele frequency attached by ClinVar (database versions not stated): gnomAD exomes below 0.00001; TOPMed below 0.00001; gnomAD 0.00001.

Submissions (2):

Color Diagnostics, LLC DBA Color Health
Classification: Uncertain significance for Familial hypercholesterolemia. Last evaluated: 2024-03-06. Review status: criteria provided, single submitter. Criteria: ACMG Guidelines, 2015. Collection method: clinical testing. Allele origin: germline.
Comment: This missense variant replaces glutamic acid with lysine at codon 426 of the PCSK9 protein. Computational prediction suggests that this variant may not impact protein structure and function (internally defined REVEL score threshold <= 0.5, PMID: 27666373). To our knowledge, functional studies have not been reported for this variant. This variant has not been reported in individuals affected with PCSK9-related disorders in the literature. This variant has not been identified in the general population by the Genome Aggregation Database (gnomAD). The available evidence is insufficient to determine the role of this variant in disease conclusively. Therefore, this variant is classified as a Variant of Uncertain Significance.

All of Us Research Program, National Institutes of Health
Classification: Uncertain significance for Hypercholesterolemia, autosomal dominant, 3. Last evaluated: 2023-05-04. Review status: criteria provided, single submitter. Criteria: ACMG Guidelines, 2015. Collection method: clinical testing. Allele origin: germline. Inheritance: Autosomal dominant inheritance. Observed: 1 variant allele, 1 heterozygote.
Comment: This missense variant replaces glutamic acid with lysine at codon 426 of the PCSK9 protein. Computational prediction suggests that this variant may not impact protein structure and function (internally defined REVEL score threshold <= 0.5, PMID: 27666373). To our knowledge, functional studies have not been reported for this variant. This variant has not been reported in individuals affected with familial hypercholesterolemia in the literature. This variant has not been identified in the general population by the Genome Aggregation Database (gnomAD). The available evidence is insufficient to determine the role of this variant in disease conclusively. Therefore, this variant is classified as a Variant of Uncertain Significance.

This study involves interpretation of variants in research participants for the purpose of population health screening. Participant phenotype was not available at the time of variant classification. Additional details can be found in publication PMID: 35346344, PMCID: PMC8962531

NM_174936.4(PCSK9):c.1276G>A (p.Glu426Lys)

Gene: PCSK9 (proprotein convertase subtilisin/kexin type 9; plus strand). Cytogenetic location: 1p32.3.
Variant type: single nucleotide variant.
Coding change: c.1276G>A on transcript NM_174936.4 (MANE Select); coding-DNA position 1276, G replaced by A.
Protein change: p.Glu426Lys; replaces glutamic acid 426 with lysine.
Molecular consequence: missense variant.
Genome position (GRCh38, 1-based): chr1:55,058,131, G>A. VCF-style: chr1-55058131-G-A. GRCh37 (hg19) VCF-style: chr1-55523804-G-A.
Other names: c.1399G>A, p.Glu467Lys (NM_001407240.1); c.1276G>A, p.Glu426Lys (NM_001407241.1); c.1279G>A, p.Glu427Lys (NM_001407242.1); c.1219G>A, p.Glu407Lys (NM_001407243.1); c.1084G>A, p.Glu362Lys (NM_001407245.1); c.901G>A, p.Glu301Lys (NM_001407246.1); short protein forms E426K, E407K, E427K, E301K, E362K, E467K.
Identifiers: ClinVar variation 919224 (VCV000919224.7), dbSNP rs1207777134, ClinGen allele CA340477314.